The following is an entry in ClinVar:

ClinVar aggregate classification (germline): Likely benign (1 of 4 stars; one submission).

Submission:

CeGaT Center for Human Genetics Tuebingen
Classification: Likely benign. Last evaluated: 2025-07-01. Review status: criteria provided, single submitter. Criteria: CeGaT Center For Human Genetics Tuebingen Variant Classification Criteria Version 2. Collection method: clinical testing. Allele origin: germline. Affected: yes. Observed: 3 variant alleles.
Comment: MUC4: BP4, BP7

NM_018406.7(MUC4):c.10524C>T (p.Thr3508=)

Gene: MUC4 (mucin 4, cell surface associated). Cytogenetic location: 3q29.
Variant type: single nucleotide variant.
Coding change: c.10524C>T on transcript NM_018406.7 (MANE Select); coding-DNA position 10524, C replaced by T.
Protein change: p.Thr3508=; no amino-acid change (threonine 3508 retained).
Molecular consequence: synonymous variant. On other transcripts: intron variant (2).
Genome position (GRCh38, 1-based): chr3:195,781,056, G>A on the plus strand (C>T on the coding strand, the complement: MUC4 is on the minus strand). VCF-style: chr3-195781056-G-A. GRCh37 (hg19) VCF-style: chr3-195507927-G-A.
Other names: c.83-6751C>T (NM_138297.5); c.83-2601C>T (NM_004532.6).
Identifiers: ClinVar variation 3387973 (VCV003387973.14).